The following is an entry in ClinVar:

ClinVar aggregate classification (germline): Conflicting classifications of pathogenicity. Review status: criteria provided, conflicting classifications (1 of 4 stars). 4 submissions from 4 submitters: Uncertain significance (3); Likely benign (1). Last evaluated 2026-07-06.

Conditions:
Inborn genetic diseases. Identifiers: MedGen C0950123, MeSH D030342.
Spastic paraplegia. Identifiers: MedGen C0037772, HP:0001258.
SACS-related disorder. Also called: SACS-related condition.

Allele frequency attached by ClinVar (database versions not stated): ExAC 0.00002; gnomAD 0.00003; TOPMed 0.00003.
gnomAD v4.1: 41 of 1,613,836 alleles (0.0025%); highest among the groups gnomAD compares: Non-Finnish European, 0.0033%; no homozygotes.

Submissions (4):

PreventionGenetics, part of Exact Sciences
Classification: Uncertain significance for SACS-related condition. Last evaluated: 2026-07-06. Review status: criteria provided, single submitter. Criteria: ACMG Guidelines, 2015. Collection method: clinical testing. Allele origin: germline.
Comment: The SACS c.12358T>G variant is predicted to result in the amino acid substitution p.Leu4120Val. To our knowledge, this variant has not been reported in the literature. This variant is reported in 0.0031% of alleles in individuals of European (Non-Finnish) descent in gnomAD. At this time, the clinical significance of this variant is uncertain due to the absence of conclusive functional and genetic evidence.

Ambry Genetics
Classification: Uncertain significance for Inborn genetic diseases. Last evaluated: 2025-08-20. Review status: criteria provided, single submitter. Criteria: Ambry Variant Classification Scheme 2023. Collection method: clinical testing. Allele origin: germline.

Mayo Clinic Laboratories, Mayo Clinic
Classification: Uncertain significance. Last evaluated: 2025-05-19. Review status: criteria provided, single submitter. Criteria: ACMG Guidelines, 2015. Collection method: clinical testing. Allele origin: germline. Observed: 1 variant allele.
Comment: PM2_supporting

Labcorp Genetics (formerly Invitae), Labcorp
Classification: Likely benign for Spastic paraplegia. Last evaluated: 2025-01-11. Review status: criteria provided, single submitter. Criteria: Invitae Variant Classification Sherloc (09022015). Collection method: clinical testing. Allele origin: germline.

NM_014363.6(SACS):c.12358T>G (p.Leu4120Val)

Gene: SACS (sacsin molecular chaperone; minus strand). Cytogenetic location: 13q12.12.
Variant type: single nucleotide variant.
Coding change: c.12358T>G on transcript NM_014363.6 (MANE Select); coding-DNA position 12358, T replaced by G.
Protein change: p.Leu4120Val; replaces leucine 4120 with valine.
Molecular consequence: missense variant.
Genome position (GRCh38, 1-based): chr13:23,331,518, A>C on the plus strand (T>G on the coding strand, the complement: SACS is on the minus strand). VCF-style: chr13-23331518-A-C. GRCh37 (hg19) VCF-style: chr13-23905657-A-C.
Other names: p.Leu4120Val; c.11917T>G, p.Leu3973Val (NM_001278055.2); c.12358T>G (NM_014363.4, NM_014363.5); short protein forms L3973V, L4120V.
Identifiers: ClinVar variation 2194820 (VCV002194820.7), dbSNP rs760872955, ClinGen allele CA6910152.
Genomic context (GRCh38, chr13:23,331,518, plus strand): 5'-CTAAACTGTCAAGTTTCTCACCAATCCTGTAAATATCATTGCATCCTAGCATAGCAATTA[A>C]ATATGAAGTGTCAGAAATCAAATTGTCAGTTGCTGATTTAAGAGTCATTGCCAATGCTAA-3'
Protein context (NP_055178.3, residues 4110-4130): TDNLISDTSY[Leu4120Val]IAMLGCNDIY